The following is an entry in ClinVar:

ClinVar aggregate classification (germline): Uncertain significance (1 of 4 stars; one submission).

Allele frequency attached by ClinVar (database versions not stated): ExAC 0.00003; gnomAD 0.00003; gnomAD exomes 0.00004 and 0.00005; TOPMed 0.00005.
gnomAD v4.1: 74 of 1,613,952 alleles (0.0046%); highest among the groups gnomAD compares: Non-Finnish European, 0.0056%; no homozygotes.

Submission:

Labcorp Genetics (formerly Invitae), Labcorp
Classification: Uncertain significance. Last evaluated: 2022-08-02. Review status: criteria provided, single submitter. Criteria: Invitae Variant Classification Sherloc (09022015). Collection method: clinical testing. Allele origin: germline.
Comment: In summary, the available evidence is currently insufficient to determine the role of this variant in disease. Therefore, it has been classified as a Variant of Uncertain Significance. Algorithms developed to predict the effect of missense changes on protein structure and function output the following: SIFT: "Tolerated"; PolyPhen-2: "Not Available"; Align-GVGD: "Class C0". The serine amino acid residue is found in multiple mammalian species, which suggests that this missense change does not adversely affect protein function. ClinVar contains an entry for this variant (Variation ID: 1362721). This variant has not been reported in the literature in individuals affected with PTPN23-related conditions. This variant is present in population databases (rs759130449, gnomAD 0.006%). This sequence change replaces glycine, which is neutral and non-polar, with serine, which is neutral and polar, at codon 524 of the PTPN23 protein (p.Gly524Ser).

NM_015466.4(PTPN23):c.1570G>A (p.Gly524Ser)

Gene: PTPN23 (protein tyrosine phosphatase non-receptor type 23; plus strand). Cytogenetic location: 3p21.31.
Variant type: single nucleotide variant.
Coding change: c.1570G>A on transcript NM_015466.4 (MANE Select); coding-DNA position 1570, G replaced by A.
Protein change: p.Gly524Ser; replaces glycine 524 with serine.
Molecular consequence: missense variant.
Genome position (GRCh38, 1-based): chr3:47,409,015, G>A. VCF-style: chr3-47409015-G-A. GRCh37 (hg19) VCF-style: chr3-47450505-G-A.
Other names: c.1192G>A, p.Gly398Ser (NM_001304482.2); short protein forms G524S, G398S.
Identifiers: ClinVar variation 1362721 (VCV001362721.4), dbSNP rs759130449, ClinGen allele CA2365759.